The following is an entry in ClinVar:

NM_021871.4(FGA):c.1823G>C (p.Gly608Ala)

Gene: FGA (fibrinogen alpha chain; minus strand). Cytogenetic location: 4q31.3.
Variant type: single nucleotide variant.
Coding change: c.1823G>C on transcript NM_021871.4 (MANE Select); coding-DNA position 1823, G replaced by C.
Protein change: p.Gly608Ala; replaces glycine 608 with alanine.
Molecular consequence: missense variant.
Genome position (GRCh38, 1-based): chr4:154,585,606, C>G on the plus strand (G>C on the coding strand, the complement: FGA is on the minus strand). VCF-style: chr4-154585606-C-G. GRCh37 (hg19) VCF-style: chr4-155506758-C-G.
Other names: c.1823G>C (LRG_557t2); c.1823G>C, p.Gly608Ala (NM_000508.5); short protein forms G608A.
Identifiers: ClinVar variation 347808 (VCV000347808.10), dbSNP rs370873387, ClinGen allele CA3115027.

ClinVar aggregate classification (germline): Conflicting classifications of pathogenicity. Review status: criteria provided, conflicting classifications (1 of 4 stars). 5 submissions from 4 submitters: Uncertain significance (4); Likely benign (1). Last evaluated 2025-06-06.

Conditions:
Familial dysfibrinogenemia. Also called: Dysfibrinogenemia, congenital. Identifiers: Orphanet 335, Orphanet 98881, MedGen C0272350, MONDO:0014452, OMIM 616004.
Congenital afibrinogenemia. Identifiers: Orphanet 335, Orphanet 98880, MedGen C2584774, MONDO:0008737, OMIM 202400.
Familial visceral amyloidosis, Ostertag type (AMYLD2). Also called: Amyloidosis, hepatic and systemic; AMYLOIDOSIS VIII; Hereditary Renal Amyloidosis; AMYLOIDOSIS, HEREDITARY SYSTEMIC 2; Ostertag type amyloidosis; Familial visceral amyloidosis. Identifiers: Orphanet 85450, MedGen C0268389, MONDO:0007099, OMIM 105200.
Inborn genetic diseases. Identifiers: MedGen C0950123, MeSH D030342.

Allele frequency attached by ClinVar (database versions not stated): gnomAD 0.00006; TOPMed 0.00014; ESP Exome Variant Server 0.00015.
gnomAD v4.1: 341 of 1,614,084 alleles (0.021%); highest among the groups gnomAD compares: Non-Finnish European, 0.028%; 1 homozygote.

Submissions (5):

Ambry Genetics
Classification: Uncertain significance for Inborn genetic diseases. Last evaluated: 2025-06-06. Review status: criteria provided, single submitter. Criteria: Ambry Variant Classification Scheme 2023. Collection method: clinical testing. Allele origin: germline.

Blueprint Genetics
Classification: Uncertain significance. Last evaluated: 2024-10-24. Review status: criteria provided, single submitter. Criteria: ACMG Guidelines, 2015. Collection method: clinical testing. Allele origin: germline.

Fulgent Genetics
Classification: Uncertain significance for Familial visceral amyloidosis, Ostertag type; Congenital afibrinogenemia; Familial dysfibrinogenemia. Last evaluated: 2024-06-11. Review status: criteria provided, single submitter. Criteria: ACMG Guidelines, 2015. Collection method: clinical testing. Allele origin: germline.

Illumina Laboratory Services, Illumina
Classification: Likely benign for Familial visceral amyloidosis, Ostertag type. Last evaluated: 2018-01-13. Review status: criteria provided, single submitter. Criteria: ICSL Variant Classification Criteria 13 December 2019. Collection method: clinical testing. Allele origin: germline.
Comment: This variant was observed in the ICSL laboratory as part of a predisposition screen in an ostensibly healthy population. It had not been previously curated by ICSL or reported in the Human Gene Mutation Database (HGMD: prior to June 1st, 2018), and was therefore a candidate for classification through an automated scoring system. Utilizing variant allele frequency, disease prevalence and penetrance estimates, and inheritance mode, an automated score was calculated to assess if this variant is too frequent to cause the disease. Based on the score and internal cut-off values, a variant classified as likely benign is not then subjected to further curation. The score for this variant resulted in a classification of likely benign for this disease.

Illumina Laboratory Services, Illumina
Classification: Uncertain significance for Congenital afibrinogenemia. Last evaluated: 2018-01-13. Review status: criteria provided, single submitter. Criteria: ICSL Variant Classification Criteria 13 December 2019. Collection method: clinical testing. Allele origin: germline.